The following is an entry in ClinVar:

NM_000038.6(APC):c.3139G>A (p.Glu1047Lys)

Gene: APC (APC regulator of Wnt signaling pathway; plus strand). Cytogenetic location: 5q22.2.
Variant type: single nucleotide variant.
Coding change: c.3139G>A on transcript NM_000038.6 (MANE Select); coding-DNA position 3139, G replaced by A.
Protein change: p.Glu1047Lys; replaces glutamic acid 1047 with lysine.
Molecular consequence: missense variant.
Genome position (GRCh38, 1-based): chr5:112,838,733, G>A. VCF-style: chr5-112838733-G-A. GRCh37 (hg19) VCF-style: chr5-112174430-G-A.
Other names: c.3139G>A, p.Glu1047Lys (NM_001127510.3, NM_001354895.2); c.3085G>A, p.Glu1029Lys (NM_001127511.3); c.3193G>A, p.Glu1065Lys (NM_001354896.2); c.3169G>A, p.Glu1057Lys (NM_001354897.2); c.3064G>A, p.Glu1022Lys (NM_001354898.2); c.3055G>A, p.Glu1019Lys (NM_001354899.2); c.3016G>A, p.Glu1006Lys (NM_001354900.2); c.2962G>A, p.Glu988Lys (NM_001354901.2); and 6 more; short protein forms E1006K, E1019K, E1022K, E1029K, E1047K, E1057K, E1065K, E764K.
Identifiers: ClinVar variation 1006428 (VCV001006428.46), dbSNP rs568149455, ClinGen allele CA16028212.

ClinVar aggregate classification (germline): Uncertain significance. Review status: criteria provided, multiple submitters, no conflicts (2 of 4 stars). 2 submissions from 2 submitters: Uncertain significance (2). Last evaluated 2025-12-15.

Conditions:
Hereditary cancer-predisposing syndrome. Also called: Hereditary neoplastic syndrome; Neoplastic Syndromes, Hereditary; Tumor predisposition; Hereditary Cancer Syndrome. Identifiers: Orphanet 140162, MedGen C0027672, MeSH D009386, MONDO:0015356.
Familial adenomatous polyposis 1 (FAP1). Also called: FAMILIAL ADENOMATOUS POLYPOSIS 1, ATTENUATED; POLYPOSIS, ADENOMATOUS INTESTINAL. Identifiers: MedGen C2713442, MONDO:0021056, OMIM 175100. Disease mechanism: loss of function.

Submissions (2):

Labcorp Genetics (formerly Invitae), Labcorp
Classification: Uncertain significance for Familial adenomatous polyposis 1. Last evaluated: 2025-12-15. Review status: criteria provided, single submitter. Criteria: Invitae Variant Classification Sherloc (09022015). Collection method: clinical testing. Allele origin: germline.
Comment: This sequence change replaces glutamic acid, which is acidic and polar, with lysine, which is basic and polar, at codon 1047 of the APC protein (p.Glu1047Lys). This variant is not present in population databases (gnomAD no frequency). This variant has not been reported in the literature in individuals affected with APC-related conditions. ClinVar contains an entry for this variant (Variation ID: 1006428). Invitae Evidence Modeling of protein sequence and biophysical properties (such as structural, functional, and spatial information, amino acid conservation, physicochemical variation, residue mobility, and thermodynamic stability) indicates that this missense variant is not expected to disrupt APC protein function with a negative predictive value of 95%. In summary, the available evidence is currently insufficient to determine the role of this variant in disease. Therefore, it has been classified as a Variant of Uncertain Significance.

Ambry Genetics
Classification: Uncertain significance for Hereditary cancer-predisposing syndrome. Last evaluated: 2024-07-15. Review status: criteria provided, single submitter. Criteria: Ambry Variant Classification Scheme 2023. Collection method: clinical testing. Allele origin: germline.
Comment: The p.E1047K variant (also known as c.3139G>A), located in coding exon 15 of the APC gene, results from a G to A substitution at nucleotide position 3139. The glutamic acid at codon 1047 is replaced by lysine, an amino acid with similar properties. This amino acid position is highly conserved in available vertebrate species. In addition, in silico predictors for this gene do not accurately predict pathogenicity. Missense alterations in APC are not a common cause of disease (Spier I et al. Genet Med. 2024 Feb;26(2):100992). Based on the available evidence, the clinical significance of this variant remains unclear.